The following is an entry in ClinVar:

ClinVar aggregate classification (germline): Uncertain significance (1 of 4 stars; one submission).

gnomAD v4.1: 1 of 1,613,710 alleles (0.000062%); highest among the groups gnomAD compares: African/African-American, 0.0013%; no homozygotes.

Submission:

GeneDx
Classification: Uncertain significance. Last evaluated: 2025-04-15. Review status: criteria provided, single submitter. Criteria: GeneDx Variant Classification Process June 2021. Collection method: clinical testing. Allele origin: germline. Affected: yes.
Comment: Not observed at significant frequency in large population cohorts (gnomAD); In silico analysis indicates that this missense variant does not alter protein structure/function; Has not been previously published as pathogenic or benign to our knowledge

NM_000159.4(GCDH):c.59T>A (p.Leu20His)

Genes: GCDH (glutaryl-CoA dehydrogenase; plus strand), LOC117125594 (CRISPRi-FlowFISH-validated KLF1 regulatory element; plus strand). Cytogenetic location: 19p13.13.
Variant type: single nucleotide variant.
Coding change: c.59T>A on transcript NM_000159.4 (MANE Select); coding-DNA position 59, T replaced by A.
Protein change: p.Leu20His; replaces leucine 20 with histidine.
Molecular consequence: missense variant. On other transcripts: non-coding transcript variant (2).
Genome position (GRCh38, 1-based): chr19:12,891,363, T>A. VCF-style: chr19-12891363-T-A. GRCh37 (hg19) VCF-style: chr19-13002177-T-A.
Other names: c.59T>A, p.Leu20His (NM_013976.5); short protein forms L20H.
Identifiers: ClinVar variation 4282122 (VCV004282122.1).